The following is an entry in ClinVar:

ClinVar aggregate classification (germline): Uncertain significance (1 of 4 stars; one submission).

Submission:

GeneDx
Classification: Uncertain significance. Last evaluated: 2022-08-15. Review status: criteria provided, single submitter. Criteria: GeneDx Variant Classification Process June 2021. Collection method: clinical testing. Allele origin: germline. Affected: yes.
Comment: Not observed at significant frequency in large population cohorts (gnomAD); In silico analysis supports that this missense variant does not alter protein structure/function; Has not been previously published as pathogenic or benign to our knowledge

NM_001080453.3(INTS1):c.6568A>C (p.Met2190Leu)

Gene: INTS1 (integrator complex subunit 1; minus strand). Cytogenetic location: 7p22.3.
Variant type: single nucleotide variant.
Coding change: c.6568A>C on transcript NM_001080453.3 (MANE Select); coding-DNA position 6568, A replaced by C.
Protein change: p.Met2190Leu; replaces methionine 2190 with leucine.
Molecular consequence: missense variant.
Genome position (GRCh38, 1-based): chr7:1,470,582, T>G on the plus strand (A>C on the coding strand, the complement: INTS1 is on the minus strand). VCF-style: chr7-1470582-T-G. GRCh37 (hg19) VCF-style: chr7-1510218-T-G.
Other names: c.3085A>C, p.Met1029Leu (NM_015674.1); short protein forms M1029L, M2190L.
Identifiers: ClinVar variation 2430428 (VCV002430428.1), dbSNP rs769280475, ClinGen allele CA366574236.
Genomic context (GRCh38, chr7:1,470,582, plus strand): 5'-GGATCCCCGGGGACGGGACGGGCCGGGGCTTGGAGGGGGGTCGGCTGCCACAGGCTCACA[T>G]CACGGCCTCCATATGCAGGATCCTCAGGGCCTCGGAGATCTGCGCGCTGGGGTCCATCTG-3'
Protein context (NP_001073922.2, residues 2180-2190): ALRILHMEAV[Met2190Leu]